The following is an entry in ClinVar:

NM_023036.6(DNAI2):c.1790del (p.Asp597fs)

Gene: DNAI2 (dynein axonemal intermediate chain 2; plus strand). Cytogenetic location: 17q25.1.
Variant type: Deletion.
Coding change: c.1790del on transcript NM_023036.6 (MANE Select); coding-DNA position 1790, one base deleted (A; older notation c.1790delA).
Protein change: p.Asp597fs; shifts the reading frame from aspartic acid 597.
Molecular consequence: frameshift variant. On other transcripts: non-coding transcript variant (1).
Genome position (GRCh38, 1-based): chr17:74,314,188, A deleted. VCF-style (leftmost placement, unchanged base first): chr17-74314187-GA-G. GRCh37 (hg19) VCF-style: chr17-72310326-GA-G.
Other names: c.1754del, p.Asp585fs (NM_001172810.3); c.1922del, p.Asp641fs (NM_001353167.2); short protein forms D585fs, D641fs, D597fs.
Identifiers: ClinVar variation 1456746 (VCV001456746.6), dbSNP rs751056551, ClinGen allele CA8745925.

ClinVar aggregate classification (germline): Pathogenic (1 of 4 stars; one submission).

Conditions:
Primary ciliary dyskinesia. Also called: Ciliary dyskinesia. Identifiers: Orphanet 244, MedGen C0008780, MONDO:0016575, HP:0012265.

Allele frequency attached by ClinVar (database versions not stated): ExAC 0.00001; gnomAD 0.00001; gnomAD exomes 0.00001; TOPMed 0.00002; ESP Exome Variant Server 0.00008.

Submission:

Labcorp Genetics (formerly Invitae), Labcorp
Classification: Pathogenic for Primary ciliary dyskinesia. Last evaluated: 2025-01-23. Review status: criteria provided, single submitter. Criteria: Invitae Variant Classification Sherloc (09022015). Collection method: clinical testing. Allele origin: germline.
Comment: This sequence change creates a premature translational stop signal (p.Asp597Valfs*8) in the DNAI2 gene. It is expected to result in an absent or disrupted protein product. Loss-of-function variants in DNAI2 are known to be pathogenic (PMID: 18950741, 23891469). This variant is present in population databases (rs751056551, gnomAD 0.004%). This variant has not been reported in the literature in individuals affected with DNAI2-related conditions. ClinVar contains an entry for this variant (Variation ID: 1456746). For these reasons, this variant has been classified as Pathogenic.

Literature cited by the submitters: PubMed 18950741; PubMed 23891469.